The following is an entry in ClinVar:

ClinVar aggregate classification (germline): Uncertain significance. Review status: criteria provided, multiple submitters, no conflicts (2 of 4 stars). 3 submissions from 3 submitters: Uncertain significance (3). Last evaluated 2025-10-02.

Conditions:
Emery-Dreifuss muscular dystrophy 5, autosomal dominant (EDMD5). Also called: EMERY-DREIFUSS MUSCULAR DYSTROPHY 5. Identifiers: Orphanet 261, MedGen C2751805, MONDO:0013072, OMIM 612999.

Allele frequency attached by ClinVar (database versions not stated): TOPMed 0.00007; ESP Exome Variant Server 0.00017.
gnomAD v4.1: 124 of 1,614,052 alleles (0.0077%); highest among the groups gnomAD compares: Non-Finnish European, 0.01%; no homozygotes.

Submissions (3):

Labcorp Genetics (formerly Invitae), Labcorp
Classification: Uncertain significance for Emery-Dreifuss muscular dystrophy 5, autosomal dominant. Last evaluated: 2025-10-02. Review status: criteria provided, single submitter. Criteria: Invitae Variant Classification Sherloc (09022015). Collection method: clinical testing. Allele origin: germline.
Comment: This sequence change replaces glutamine, which is neutral and polar, with histidine, which is basic and polar, at codon 2193 of the SYNE2 protein (p.Gln2193His). This variant is present in population databases (rs373963217, gnomAD 0.02%). This variant has not been reported in the literature in individuals affected with SYNE2-related conditions. ClinVar contains an entry for this variant (Variation ID: 645124). An algorithm developed to predict the effect of missense changes on protein structure and function (PolyPhen-2) suggests that this variant is likely to be disruptive. In summary, the available evidence is currently insufficient to determine the role of this variant in disease. Therefore, it has been classified as a Variant of Uncertain Significance.

Ambry Genetics
Classification: Uncertain significance. Last evaluated: 2025-04-04. Review status: criteria provided, single submitter. Criteria: Ambry Variant Classification Scheme 2023. Collection method: clinical testing. Allele origin: germline.

Revvity Omics, Revvity
Classification: Uncertain significance for Emery-Dreifuss muscular dystrophy 5, autosomal dominant. Last evaluated: 2019-05-03. Review status: criteria provided, single submitter. Criteria: ACMG Guidelines, 2015. Collection method: clinical testing. Allele origin: germline.

NM_182914.3(SYNE2):c.6579A>T (p.Gln2193His)

Gene: SYNE2 (spectrin repeat containing nuclear envelope protein 2; plus strand). Cytogenetic location: 14q23.2.
Variant type: single nucleotide variant.
Coding change: c.6579A>T on transcript NM_182914.3 (MANE Select); coding-DNA position 6579, A replaced by T.
Protein change: p.Gln2193His; replaces glutamine 2193 with histidine.
Molecular consequence: missense variant.
Genome position (GRCh38, 1-based): chr14:64,027,658, A>T. VCF-style: chr14-64027658-A-T. GRCh37 (hg19) VCF-style: chr14-64494376-A-T.
Other names: c.6579A>T, p.Gln2193His (NM_015180.6); short protein forms Q2193H.
Identifiers: ClinVar variation 645124 (VCV000645124.12), dbSNP rs373963217, ClinGen allele CA7220722.